The following is an entry in ClinVar:

NM_006486.3(FBLN1):c.1119C>T (p.Cys373=)

Gene: FBLN1 (fibulin 1; plus strand). Cytogenetic location: 22q13.31.
Variant type: single nucleotide variant.
Coding change: c.1119C>T on transcript NM_006486.3 (MANE Select); coding-DNA position 1119, C replaced by T.
Protein change: p.Cys373=; no amino-acid change (cysteine 373 retained).
Molecular consequence: synonymous variant.
Genome position (GRCh38, 1-based): chr22:45,542,207, C>T. VCF-style: chr22-45542207-C-T. GRCh37 (hg19) VCF-style: chr22-45938087-C-T.
Other names: c.1119C>T, p.Cys373= (NM_001996.4, NM_006485.4, NM_006487.3); c.1119C>T (NM_006486.2).
Identifiers: ClinVar variation 2884323 (VCV002884323.4), dbSNP rs199835399, ClinGen allele CA10286824.

ClinVar aggregate classification (germline): Likely benign. Review status: criteria provided, multiple submitters, no conflicts (2 of 4 stars). 2 submissions from 2 submitters: Likely benign (2). Last evaluated 2025-01-24.

Conditions:
FBLN1-related disorder. Also called: FBLN1-related condition.

Allele frequency attached by ClinVar (database versions not stated): gnomAD 0.00009; ExAC 0.00012; gnomAD exomes 0.00013; TOPMed 0.00014; 1000 Genomes Project 30x 0.00031; 1000 Genomes Project 0.00040.
gnomAD v4.1: 195 of 1,614,202 alleles (0.012%); highest among the groups gnomAD compares: Admixed American, 0.018%; 1 homozygote.

Submissions (2):

PreventionGenetics, part of Exact Sciences
Classification: Likely benign for FBLN1-related condition. Last evaluated: 2025-01-24. Review status: criteria provided, single submitter. Criteria: ACMG Guidelines, 2015. Collection method: clinical testing. Allele origin: germline.
Comment: This variant is classified as likely benign based on ACMG/AMP sequence variant interpretation guidelines (Richards et al. 2015 PMID: 25741868, with internal and published modifications).

Labcorp Genetics (formerly Invitae), Labcorp
Classification: Likely benign. Last evaluated: 2025-01-01. Review status: criteria provided, single submitter. Criteria: Invitae Variant Classification Sherloc (09022015). Collection method: clinical testing. Allele origin: germline.